The following is an entry in ClinVar:

NM_002185.5(IL7R):c.178G>A (p.Glu60Lys)

Gene: IL7R (interleukin 7 receptor; plus strand). Cytogenetic location: 5p13.2.
Variant type: single nucleotide variant.
Coding change: c.178G>A on transcript NM_002185.5 (MANE Select); coding-DNA position 178, G replaced by A.
Protein change: p.Glu60Lys; replaces glutamic acid 60 with lysine.
Molecular consequence: missense variant. On other transcripts: non-coding transcript variant (1).
Genome position (GRCh38, 1-based): chr5:35,860,947, G>A. VCF-style: chr5-35860947-G-A. GRCh37 (hg19) VCF-style: chr5-35861049-G-A.
Other names: short protein forms E60K.
Identifiers: ClinVar variation 935733 (VCV000935733.9), dbSNP rs772586152, ClinGen allele CA3231858.

ClinVar aggregate classification (germline): Uncertain significance (1 of 4 stars; one submission).

Conditions:
Immunodeficiency 104. Also called: Severe Combined Immune Deficiency, Autosomal Recessive, TCell -Negative, B Cell-Positive, NK Cell-Positive, IL7R-Related; Severe combined immunodeficiency, autosomal recessive, T cell-negative, B cell-positive, NK cell-positive; IMMUNODEFICIENCY 104, SEVERE COMBINED; SCID, AUTOSOMAL RECESSIVE, T CELL-NEGATIVE, B CELL-POSITIVE, NK CELL-POSITIVE. Identifiers: MedGen C5676890, MONDO:0012163, OMIM 608971.

Allele frequency attached by ClinVar (database versions not stated): TOPMed below 0.00001; gnomAD 0.00001; gnomAD exomes 0.00001 and 0.00002; ExAC 0.00002.
gnomAD v4.1: 9 of 1,613,576 alleles (0.00056%); highest among the groups gnomAD compares: East Asian, 0.02%; no homozygotes.

Submission:

Labcorp Genetics (formerly Invitae), Labcorp
Classification: Uncertain significance for Immunodeficiency 104. Last evaluated: 2024-02-24. Review status: criteria provided, single submitter. Criteria: Invitae Variant Classification Sherloc (09022015). Collection method: clinical testing. Allele origin: germline.
Comment: This sequence change replaces glutamic acid, which is acidic and polar, with lysine, which is basic and polar, at codon 60 of the IL7R protein (p.Glu60Lys). This variant is present in population databases (rs772586152, gnomAD 0.02%). This variant has not been reported in the literature in individuals affected with IL7R-related conditions. ClinVar contains an entry for this variant (Variation ID: 935733). Advanced modeling of protein sequence and biophysical properties (such as structural, functional, and spatial information, amino acid conservation, physicochemical variation, residue mobility, and thermodynamic stability) performed at Invitae indicates that this missense variant is not expected to disrupt IL7R protein function with a negative predictive value of 80%. In summary, the available evidence is currently insufficient to determine the role of this variant in disease. Therefore, it has been classified as a Variant of Uncertain Significance.